The following is an entry in ClinVar:

NM_003590.5(CUL3):c.1156_1159delinsTC (p.Glu386fs)

Gene: CUL3 (cullin 3; minus strand). Cytogenetic location: 2q36.2.
Variant type: Indel.
Coding change: c.1156_1159delinsTC on transcript NM_003590.5 (MANE Select); coding-DNA positions 1156 to 1159, GAAT replaced by TC.
Protein change: p.Glu386fs; shifts the reading frame from glutamic acid 386.
Molecular consequence: frameshift variant.
Genome position (GRCh38, 1-based): chr2:224,506,003-224,506,006, ATTC replaced by GA on the plus strand (GAAT replaced by TC on the coding strand, the reverse complement: CUL3 is on the minus strand). VCF-style: chr2-224506003-ATTC-GA. GRCh37 (hg19) VCF-style: chr2-225370720-ATTC-GA.
Other names: c.1156_1159delGAATinsTC (NM_003590.4); c.958_961delinsTC, p.Glu320fs (NM_001257197.2); c.1174_1177delinsTC, p.Glu392fs (NM_001257198.2); short protein forms E320fs, E386fs, E392fs.
Identifiers: ClinVar variation 2500711 (VCV002500711.2), dbSNP rs2469981132, ClinGen allele CA1139771225.

ClinVar aggregate classification (germline): Likely pathogenic (1 of 4 stars; one submission).

Conditions:
Neurodevelopmental disorder with or without autism or seizures (NEDAUS). Identifiers: MedGen C5543225, MONDO:0030994, OMIM 619239.

Submission:

Victorian Clinical Genetics Services, Murdoch Childrens Research Institute
Classification: Likely pathogenic for Neurodevelopmental disorder with or without autism or seizures. Last evaluated: 2021-05-06. Review status: criteria provided, single submitter. Criteria: ACMG Guidelines, 2015. Collection method: clinical testing. Allele origin: germline. Inheritance: Autosomal dominant inheritance.
Comment: Based on the classification scheme VCGS_Germline_v1.3.4, this variant is classified as Likely Pathogenic. Following criteria are met: 0102 - Loss of function is a known mechanism of disease in this gene and is associated with neurodevelopmental disorder with or without autism or seizures (MIM#619239). Other variants that result in the skipping of exon 9 are associated with pseudohypoaldosteronism (MIM#614496), however the exact mechanism of disease for this condition is unknown (PMID: 29361671). (I) 0107 - This gene is associated with autosomal dominant disease. (I) 0201 - Variant is predicted to cause nonsense-mediated decay (NMD) and loss of protein (premature termination codon is located at least 54 nucleotides upstream of the final exon-exon junction). (SP) 0251 - This variant is heterozygous. (I) 0301 - Variant is absent from gnomAD (both v2 and v3). (SP) 0701 - Other NMD-predicted variants comparable to the one identified in this case have very strong previous evidence for pathogenicity. Variants predicted to result in NMD have been reported as pathogenic multiple times in ClinVar and the literature, associated with neurodevelopmental disorders (PMID: 32341456). (SP) 0807 - This variant has no previous evidence of pathogenicity. (I) 0905 - No published segregation evidence has been identified for this variant. (I) 1007 - No published functional evidence has been identified for this variant. (SP) Legend: (SP) - Supporting pathogenic, (I) - Information, (SB) - Supporting benign

Literature cited by the submitters: PubMed 22266938; PubMed 29361671; PubMed 32341456.